The following is an entry in ClinVar:

NM_000944.5(PPP3CA):c.1263G>C (p.Leu421=)

Gene: PPP3CA (protein phosphatase 3 catalytic subunit alpha; minus strand). Cytogenetic location: 4q24.
Variant type: single nucleotide variant.
Coding change: c.1263G>C on transcript NM_000944.5 (MANE Select); coding-DNA position 1263, G replaced by C.
Protein change: p.Leu421=; no amino-acid change (leucine 421 retained).
Molecular consequence: synonymous variant.
Genome position (GRCh38, 1-based): chr4:101,032,343, C>G on the plus strand (G>C on the coding strand, the complement: PPP3CA is on the minus strand). VCF-style: chr4-101032343-C-G. GRCh37 (hg19) VCF-style: chr4-101953500-C-G.
Other names: c.1263G>C, p.Leu421= (NM_001130691.2); c.1137G>C, p.Leu379= (NM_001130692.2).
Identifiers: ClinVar variation 4873922 (VCV004873922.2).

ClinVar aggregate classification (germline): Likely benign (1 of 4 stars; one submission).

gnomAD v4.1: 2 of 1,613,260 alleles (0.00012%); highest among the groups gnomAD compares: Non-Finnish European, 0.000085%; no homozygotes.

Submission:

CeGaT Center for Human Genetics Tuebingen
Classification: Likely benign. Last evaluated: 2026-06-01. Review status: criteria provided, single submitter. Criteria: CeGaT Center For Human Genetics Tuebingen Variant Classification Criteria Version 2. Collection method: clinical testing. Allele origin: germline. Affected: yes. Observed: 1 variant allele.
Comment: PPP3CA: BP4, BP7